The following is an entry in ClinVar:

ClinVar aggregate classification (germline): Uncertain significance. Review status: criteria provided, multiple submitters, no conflicts (2 of 4 stars). 5 submissions from 5 submitters: Uncertain significance (4). 1 of the submissions does not count toward it. Last evaluated 2025-08-13.

Conditions:
Muscle eye brain disease (MEB). Also called: Santavuori congenital muscular dystrophy. Identifiers: Orphanet 588, Orphanet 899, MedGen C0457133, MONDO:0018939.
Muscular dystrophy-dystroglycanopathy (congenital with impaired intellectual development), type B, 3. Also called: Muscular dystrophy-dystroglycanopathy (congenital with intellectual disability), type B3; MUSCULAR DYSTROPHY, CONGENITAL, POMGNT1-RELATED. Identifiers: MedGen C3150412, MONDO:0013155, OMIM 613151.
Autosomal recessive limb-girdle muscular dystrophy type 2O. Also called: MUSCULAR DYSTROPHY-DYSTROGLYCANOPATHY, LIMB-GIRDLE, POMGNT1-RELATED; Limb-Girdle Muscular Dystrophy Type 3C; MUSCULAR DYSTROPHY-DYSTROGLYCANOPATHY (LIMB-GIRDLE), TYPE C, 3. Identifiers: Orphanet 206564, MedGen C3150417, MONDO:0013161, OMIM 613157.

Allele frequency attached by ClinVar (database versions not stated): gnomAD exomes 0.00001 and 0.00002; gnomAD 0.00011; TOPMed 0.00010; ExAC 0.00005; ESP Exome Variant Server 0.00015.
gnomAD v4.1: 27 of 1,613,378 alleles (0.0017%); highest among the groups gnomAD compares: African/African-American, 0.035%; no homozygotes.

Submissions (5):

GeneDx
Classification: Uncertain significance. Last evaluated: 2025-08-13. Review status: criteria provided, single submitter. Criteria: GeneDx Variant Classification Process June 2021. Collection method: clinical testing. Allele origin: germline. Affected: yes.
Comment: In silico analysis suggests that this missense variant does not alter protein structure/function; Has not been previously published as pathogenic or benign to our knowledge; This variant is associated with the following publications: (PMID: 24282183)

Labcorp Genetics (formerly Invitae), Labcorp
Classification: Uncertain significance for Autosomal recessive limb-girdle muscular dystrophy type 2O; Muscular dystrophy-dystroglycanopathy (congenital with impaired intellectual development), type B, 3. Last evaluated: 2025-01-01. Review status: criteria provided, single submitter. Criteria: Invitae Variant Classification Sherloc (09022015). Collection method: clinical testing. Allele origin: germline.
Comment: This sequence change replaces threonine, which is neutral and polar, with isoleucine, which is neutral and non-polar, at codon 660 of the POMGNT1 protein (p.Thr660Ile). This variant is present in population databases (rs377760450, gnomAD 0.04%). This variant has not been reported in the literature in individuals affected with POMGNT1-related conditions. ClinVar contains an entry for this variant (Variation ID: 285069). Invitae Evidence Modeling of protein sequence and biophysical properties (such as structural, functional, and spatial information, amino acid conservation, physicochemical variation, residue mobility, and thermodynamic stability) indicates that this missense variant is not expected to disrupt POMGNT1 protein function with a negative predictive value of 95%. In summary, the available evidence is currently insufficient to determine the role of this variant in disease. Therefore, it has been classified as a Variant of Uncertain Significance.

Blueprint Genetics
Classification: Uncertain significance. Last evaluated: 2022-09-06. Review status: criteria provided, single submitter. Criteria: ACMG Guidelines, 2015. Collection method: clinical testing. Allele origin: germline.

Eurofins Ntd Llc (ga)
Classification: Uncertain significance. Last evaluated: 2015-12-11. Review status: criteria provided, single submitter. Criteria: EGL Classification Definitions 2015. Collection method: clinical testing. Allele origin: germline. Observed: 1 variant allele, 1 heterozygote.

Natera, Inc.
Classification: Uncertain significance for Muscle-eye-brain disease. Last evaluated: 2020-09-01. Review status: no assertion criteria provided. Collection method: clinical testing. Allele origin: germline. Not counted in ClinVar's aggregate classification.

NM_017739.4(POMGNT1):c.1979C>T (p.Thr660Ile)

Genes: POMGNT1 (protein O-linked mannose N-acetylglucosaminyltransferase 1 (beta 1,2-); minus strand), TSPAN1 (tetraspanin 1; plus strand). Cytogenetic location: 1p34.1.
Variant type: single nucleotide variant.
Coding change: c.1979C>T on transcript NM_017739.4 (MANE Select); coding-DNA position 1979, C replaced by T.
Protein change: p.Thr660Ile; replaces threonine 660 with isoleucine.
Molecular consequence: missense variant. On other transcripts: synonymous variant (1), intron variant (1).
Genome position (GRCh38, 1-based): chr1:46,189,274, G>A on the plus strand (C>T on the coding strand, the complement: POMGNT1 is on the minus strand). VCF-style: chr1-46189274-G-A. GRCh37 (hg19) VCF-style: chr1-46654946-G-A.
Other names: c.1953C>T, p.Asp651= (NM_001243766.2); c.1913C>T, p.Thr638Ile (NM_001290129.3); c.1550C>T, p.Thr517Ile (NM_001290130.2); c.1895+184C>T (NM_001410783.1); short protein forms T660I, T638I, T517I.
Identifiers: ClinVar variation 285069 (VCV000285069.11), dbSNP rs377760450, ClinGen allele CA833178.